The following is an entry in ClinVar:

ClinVar aggregate classification (germline): Uncertain significance (1 of 4 stars; one submission).

Conditions:
Hereditary spastic paraplegia 11. Also called: SPASTIC PARAPLEGIA, AUTOSOMAL RECESSIVE, COMPLICATED, WITH THIN CORPUS CALLOSUM; SPASTIC PARAPLEGIA, AUTOSOMAL RECESSIVE, WITH MENTAL IMPAIRMENT AND THIN CORPUS CALLOSUM; Spastic paraplegia, mental retardation and thin corpus callosum; Nakamura Osame syndrome; Autosomal recessive hereditary spastic paraplegia, mental impairment, and thin corpus callosum; Spastic Paraplegia 11. Identifiers: Orphanet 2822, MedGen C1858479, MONDO:0011445, OMIM 604360.

gnomAD v4.1: 1 of 1,614,116 alleles (0.000062%); highest among the groups gnomAD compares: Non-Finnish European, 0.000085%; no homozygotes.

Submission:

Labcorp Genetics (formerly Invitae), Labcorp
Classification: Uncertain significance for Hereditary spastic paraplegia 11. Last evaluated: 2019-06-20. Review status: criteria provided, single submitter. Criteria: Invitae Variant Classification Sherloc (09022015). Collection method: clinical testing. Allele origin: germline.
Comment: In summary, the available evidence is currently insufficient to determine the role of this variant in disease. Therefore, it has been classified as a Variant of Uncertain Significance. Algorithms developed to predict the effect of sequence changes on RNA splicing suggest that this variant may create or strengthen a splice site, but this prediction has not been confirmed by published transcriptional studies. Algorithms developed to predict the effect of missense changes on protein structure and function (SIFT, PolyPhen-2, Align-GVGD) all suggest that this variant is likely to be tolerated, but these predictions have not been confirmed by published functional studies and their clinical significance is uncertain. This variant has not been reported in the literature in individuals with SPG11-related conditions. This variant is not present in population databases (ExAC no frequency). This sequence change replaces histidine with glutamine at codon 2109 of the SPG11 protein (p.His2109Gln). The histidine residue is moderately conserved and there is a small physicochemical difference between histidine and glutamine.

NM_025137.4(SPG11):c.6327T>A (p.His2109Gln)

Gene: SPG11 (SPG11 vesicle trafficking associated, spatacsin; minus strand). Cytogenetic location: 15q21.1.
Variant type: single nucleotide variant.
Coding change: c.6327T>A on transcript NM_025137.4 (MANE Select); coding-DNA position 6327, T replaced by A.
Protein change: p.His2109Gln; replaces histidine 2109 with glutamine.
Molecular consequence: missense variant.
Genome position (GRCh38, 1-based): chr15:44,572,699, A>T on the plus strand (T>A on the coding strand, the complement: SPG11 is on the minus strand). VCF-style: chr15-44572699-A-T. GRCh37 (hg19) VCF-style: chr15-44864897-A-T.
Other names: c.5988T>A, p.His1996Gln (NM_001160227.2); short protein forms H2109Q, H1996Q.
Identifiers: ClinVar variation 940993 (VCV000940993.9), dbSNP rs754787719, ClinGen allele CA392217076.
Genomic context (GRCh38, chr15:44,572,699, plus strand): 5'-CCTGTTTAGGGCCAAAATATGTAAGAAAAAGGTCAATAACTTACTGCAAGACAGTTCCCC[A>T]TGGGGAACGGAGGAAATCTTATCCAACAACTTCATGCCTACCAATGTGCGGTCTTGACAC-3'
Protein context (NP_079413.3, residues 2099-2119): KLLDKISSVP[His2109Gln]GELSCTTELL